The following is an entry in ClinVar:

ClinVar aggregate classification (germline): Benign/Likely benign. Review status: criteria provided, multiple submitters, no conflicts (2 of 4 stars). 3 submissions from 3 submitters: Benign (1); Likely benign (2). Last evaluated 2021-12-29.

Allele frequency attached by ClinVar (database versions not stated): 1000 Genomes Project 0.00339; gnomAD 0.00685 and 0.00701; gnomAD exomes 0.01026 and 0.00704; 1000 Genomes Project 30x 0.00297; ExAC 0.00716; ESP Exome Variant Server 0.00808; TOPMed 0.00650.
gnomAD v4.1: 15,827 of 1,608,846 alleles (0.98%); highest among the groups gnomAD compares: Non-Finnish European, 1.2%; 107 homozygotes.

Submissions (3):

Mayo Clinic Laboratories, Mayo Clinic
Classification: Benign. Last evaluated: 2021-12-29. Review status: criteria provided, single submitter. Criteria: ACMG Guidelines, 2015. Collection method: clinical testing. Allele origin: germline. Observed: 5 variant alleles.
Comment: BS1, BS2, BP4

GeneDx
Classification: Likely benign. Last evaluated: 2018-06-24. Review status: criteria provided, single submitter. Criteria: GeneDx Variant Classification Process June 2021. Collection method: clinical testing. Allele origin: germline. Affected: yes.

Breakthrough Genomics
Classification: Likely benign. Review status: criteria provided, single submitter. Criteria: ACMG Guidelines, 2015. Collection method: not provided. Allele origin: germline. Inheritance: Autosomal recessive inheritance. Affected: yes.

NM_000414.4(HSD17B4):c.1994-23T>C

Gene: HSD17B4 (hydroxysteroid 17-beta dehydrogenase 4; plus strand). Cytogenetic location: 5q23.1.
Variant type: single nucleotide variant.
Coding change: c.1994-23T>C on transcript NM_000414.4 (MANE Select); 23 bases into the intron before coding-DNA position 1994, T replaced by C.
Molecular consequence: intron variant.
Genome position (GRCh38, 1-based): chr5:119,536,400, T>C. VCF-style: chr5-119536400-T-C. GRCh37 (hg19) VCF-style: chr5-118872095-T-C.
Other names: p.?; c.1583-23T>C (NM_001374503.1, NM_001374502.1, NM_001374501.1); c.2069-23T>C (NM_001199291.3); c.1667-23T>C (NM_001374499.1); c.1553-23T>C (NM_001374500.1); c.1574-23T>C (NM_001292028.2); c.1922-23T>C (NM_001292027.2, NM_001374498.1); c.1985-23T>C (NM_001374497.1); and 1 more.
Identifiers: ClinVar variation 1201983 (VCV001201983.5), dbSNP rs75932694, ClinGen allele CA3382490.